The following is an entry in ClinVar:

ClinVar aggregate classification (germline): Conflicting classifications of pathogenicity. Review status: criteria provided, conflicting classifications (1 of 4 stars). 3 submissions from 3 submitters: Uncertain significance (2); Likely benign (1). Last evaluated 2021-11-07.

Conditions:
Hereditary cancer-predisposing syndrome. Also called: Tumor predisposition; Hereditary Cancer Syndrome; Neoplastic Syndromes, Hereditary; Hereditary neoplastic syndrome. Identifiers: Orphanet 140162, MedGen C0027672, MeSH D009386, MONDO:0015356.
Microcephaly, normal intelligence and immunodeficiency (NBS). Also called: Nijmegen breakage syndrome; Microcephaly with normal intelligence immunodeficiency and lymphoreticular malignancies; Nonsyndromal microcephaly autosomal recessive with normal intelligence; Seemanova syndrome 2; BERLIN BREAKAGE SYNDROME; IMMUNODEFICIENCY, MICROCEPHALY, AND CHROMOSOMAL INSTABILITY. Identifiers: Orphanet 647, MedGen C0398791, MONDO:0009623, OMIM 251260.

Submissions (3):

Genome-Nilou Lab
Classification: Uncertain significance for Microcephaly, normal intelligence and immunodeficiency. Last evaluated: 2021-11-07. Review status: criteria provided, single submitter. Criteria: ACMG Guidelines, 2015. Collection method: clinical testing. Allele origin: germline. Affected: no.

Labcorp Genetics (formerly Invitae), Labcorp
Classification: Uncertain significance for Microcephaly, normal intelligence and immunodeficiency. Last evaluated: 2021-08-31. Review status: criteria provided, single submitter. Criteria: Invitae Variant Classification Sherloc (09022015). Collection method: clinical testing. Allele origin: germline.
Comment: This sequence change replaces cysteine with serine at codon 285 of the NBN protein (p.Cys285Ser). The cysteine residue is weakly conserved and there is a moderate physicochemical difference between cysteine and serine. This variant is not present in population databases (ExAC no frequency). This variant has not been reported in the literature in individuals affected with NBN-related conditions. ClinVar contains an entry for this variant (Variation ID: 216569). Algorithms developed to predict the effect of missense changes on protein structure and function output the following: SIFT: "Tolerated"; PolyPhen-2: "Benign"; Align-GVGD: "Class C0". The serine amino acid residue is found in multiple mammalian species, which suggests that this missense change does not adversely affect protein function. In summary, the available evidence is currently insufficient to determine the role of this variant in disease. Therefore, it has been classified as a Variant of Uncertain Significance.

Ambry Genetics
Classification: Likely benign for Hereditary cancer-predisposing syndrome. Last evaluated: 2019-09-10. Review status: criteria provided, single submitter. Criteria: Ambry Variant Classification Scheme 2023. Collection method: clinical testing. Allele origin: germline.

NM_002485.5(NBN):c.854G>C (p.Cys285Ser)

Gene: NBN (nibrin; minus strand). Cytogenetic location: 8q21.3.
Variant type: single nucleotide variant.
Coding change: c.854G>C on transcript NM_002485.5 (MANE Select); coding-DNA position 854, G replaced by C.
Protein change: p.Cys285Ser; replaces cysteine 285 with serine.
Molecular consequence: missense variant.
Genome position (GRCh38, 1-based): chr8:89,970,406, C>G on the plus strand (G>C on the coding strand, the complement: NBN is on the minus strand). VCF-style: chr8-89970406-C-G. GRCh37 (hg19) VCF-style: chr8-90982634-C-G.
Other names: c.608G>C, p.Cys203Ser (NM_001024688.3); short protein forms C285S, C203S.
Identifiers: ClinVar variation 216569 (VCV000216569.14), dbSNP rs863224715, ClinGen allele CA336228.
Genomic context (GRCh38, chr8:89,970,406, plus strand): 5'-TAAAGAATAATTCTATACCTTTGGAGCATATCCATTATTGACTGAATCCATTTCTTCTGA[C>G]AGTCAGGAATTAAGGTCTGTGAGTTTGTTATTCCTGTATCAACAACACACGTTCCCGGAG-3'
Protein context (NP_002476.2, residues 275-295): ITNSQTLIPD[Cys285Ser]QKKWIQSIMD